The following is an entry in ClinVar:

ClinVar aggregate classification (germline): Uncertain significance (0 of 4 stars; one submission).

Conditions:
RSRC2-related disorder. Also called: RSRC2-related condition.

Submission:

PreventionGenetics, part of Exact Sciences
Classification: Uncertain significance for RSRC2-related condition. Last evaluated: 2024-02-17. Review status: no assertion criteria provided. Collection method: clinical testing. Allele origin: germline.
Comment: The RSRC2 c.482A>G variant is predicted to result in the amino acid substitution p.Glu161Gly. To our knowledge, this variant has not been reported in the literature or in a large population database, indicating this variant is rare. At this time, the clinical significance of this variant is uncertain due to the absence of conclusive functional and genetic evidence.

NM_023012.6(RSRC2):c.482A>G (p.Glu161Gly)

Gene: RSRC2 (arginine and serine rich coiled-coil 2; minus strand). Cytogenetic location: 12q24.31.
Variant type: single nucleotide variant.
Coding change: c.482A>G on transcript NM_023012.6 (MANE Select); coding-DNA position 482, A replaced by G.
Protein change: p.Glu161Gly; replaces glutamic acid 161 with glycine.
Molecular consequence: missense variant. On other transcripts: non-coding transcript variant (3).
Genome position (GRCh38, 1-based): chr12:122,517,347, T>C on the plus strand (A>G on the coding strand, the complement: RSRC2 is on the minus strand). VCF-style: chr12-122517347-T-C. GRCh37 (hg19) VCF-style: chr12-123001894-T-C.
Other names: c.482A>G, p.Glu161Gly (NM_198263.2); short protein forms E161G.
Identifiers: ClinVar variation 3061115 (VCV003061115.2), dbSNP rs2547268877, ClinGen allele CA387045120.
Genomic context (GRCh38, chr12:122,517,347, plus strand): 5'-CGGGAACGAGACCTGATCCGCCGTTTTCTTTCCCTGCTTCTGGATCTCGATTTCTTCCTC[T>C]CTCTGCTTCTGGATCTCGATTTCTTCCGCTCCCTACTCCTGGATCGAGACTTCTTCCGCT-3'
Protein context (NP_075388.2, residues 151-171): ERKKSRSRSR[Glu161Gly]RKKSRSRSRE